The following is an entry in ClinVar:

NM_021620.4(PRDM13):c.634C>G (p.Pro212Ala)

Gene: PRDM13 (PR/SET domain 13; plus strand). Cytogenetic location: 6q16.2.
Variant type: single nucleotide variant.
Coding change: c.634C>G on transcript NM_021620.4 (MANE Select); coding-DNA position 634, C replaced by G.
Protein change: p.Pro212Ala; replaces proline 212 with alanine.
Molecular consequence: missense variant.
Genome position (GRCh38, 1-based): chr6:99,613,269, C>G. VCF-style: chr6-99613269-C-G. GRCh37 (hg19) VCF-style: chr6-100061145-C-G.
Other names: short protein forms P212A.
Identifiers: ClinVar variation 2129375 (VCV002129375.4), dbSNP rs571366042, ClinGen allele CA3936248.

ClinVar aggregate classification (germline): Uncertain significance (1 of 4 stars; one submission).

gnomAD v4.1: 3 of 1,597,884 alleles (0.00019%); highest among the groups gnomAD compares: East Asian, 0.0068%; no homozygotes.

Submission:

Labcorp Genetics (formerly Invitae), Labcorp
Classification: Uncertain significance. Last evaluated: 2025-12-19. Review status: criteria provided, single submitter. Criteria: Invitae Variant Classification Sherloc (09022015). Collection method: clinical testing. Allele origin: germline.
Comment: This sequence change replaces proline, which is neutral and non-polar, with alanine, which is neutral and non-polar, at codon 212 of the PRDM13 protein (p.Pro212Ala). This variant is present in population databases (rs571366042, gnomAD 0.03%). This variant has not been reported in the literature in individuals affected with PRDM13-related conditions. ClinVar contains an entry for this variant (Variation ID: 2129375). An algorithm developed to predict the effect of missense changes on protein structure and function outputs the following: PolyPhen-2: "Benign". The alanine amino acid residue is found in multiple mammalian species, which suggests that this missense change does not adversely affect protein function. In summary, the available evidence is currently insufficient to determine the role of this variant in disease. Therefore, it has been classified as a Variant of Uncertain Significance.